The following is an entry in ClinVar:

NM_000238.4(KCNH2):c.488T>G (p.Phe163Cys)

Gene: KCNH2 (potassium voltage-gated channel subfamily H member 2; minus strand). Cytogenetic location: 7q36.1.
Variant type: single nucleotide variant.
Coding change: c.488T>G on transcript NM_000238.4 (MANE Select); coding-DNA position 488, T replaced by G.
Protein change: p.Phe163Cys; replaces phenylalanine 163 with cysteine.
Molecular consequence: missense variant. On other transcripts: non-coding transcript variant (1).
Genome position (GRCh38, 1-based): chr7:150,958,487, A>C on the plus strand (T>G on the coding strand, the complement: KCNH2 is on the minus strand). VCF-style: chr7-150958487-A-C. GRCh37 (hg19) VCF-style: chr7-150655575-A-C.
Other names: c.200T>G, p.Phe67Cys (NM_001406753.1, NM_001406756.1); c.311T>G, p.Phe104Cys (NM_001406755.1); c.188T>G, p.Phe63Cys (NM_001406757.1); c.488T>G, p.Phe163Cys (NM_172056.3); short protein forms F163C, F63C, F67C, F104C.
Identifiers: ClinVar variation 2742747 (VCV002742747.3), dbSNP rs892406288, ClinGen allele CA369863544.

ClinVar aggregate classification (germline): Uncertain significance (1 of 4 stars; one submission).

Conditions:
Long QT syndrome (LQTS). Identifiers: MedGen C0023976, MeSH D008133, MONDO:0002442. Disease mechanism: loss of function. Inheritance: Various modes of inheritance.

Submission:

Labcorp Genetics (formerly Invitae), Labcorp
Classification: Uncertain significance for Long QT syndrome. Last evaluated: 2023-09-19. Review status: criteria provided, single submitter. Criteria: Invitae Variant Classification Sherloc (09022015). Collection method: clinical testing. Allele origin: germline.
Comment: In summary, the available evidence is currently insufficient to determine the role of this variant in disease. Therefore, it has been classified as a Variant of Uncertain Significance. An algorithm developed to predict the effect of missense changes on protein structure and function (PolyPhen-2) suggests that this variant is likely to be disruptive. This variant has not been reported in the literature in individuals affected with KCNH2-related conditions. This variant is not present in population databases (gnomAD no frequency). This sequence change replaces phenylalanine, which is neutral and non-polar, with cysteine, which is neutral and slightly polar, at codon 163 of the KCNH2 protein (p.Phe163Cys).